The following is an entry in ClinVar:

ClinVar aggregate classification (germline): Likely pathogenic (1 of 4 stars; one submission).

Allele frequency attached by ClinVar (database versions not stated): ExAC 0.00001.
gnomAD v4.1: 1 of 1,575,332 alleles (0.000063%); highest among the groups gnomAD compares: Non-Finnish European, 0.000087%; no homozygotes.

Submission:

Labcorp Genetics (formerly Invitae), Labcorp
Classification: Likely pathogenic. Last evaluated: 2023-09-14. Review status: criteria provided, single submitter. Criteria: Invitae Variant Classification Sherloc (09022015). Collection method: clinical testing. Allele origin: germline.
Comment: Algorithms developed to predict the effect of sequence changes on RNA splicing suggest that this variant may disrupt the consensus splice site. In summary, the currently available evidence indicates that the variant is pathogenic, but additional data are needed to prove that conclusively. Therefore, this variant has been classified as Likely Pathogenic. This variant has not been reported in the literature in individuals affected with CCBE1-related conditions. This variant is present in population databases (rs764388085, gnomAD 0.0009%). This sequence change affects a donor splice site in intron 3 of the CCBE1 gene. It is expected to disrupt RNA splicing. Variants that disrupt the donor or acceptor splice site typically lead to a loss of protein function (PMID: 16199547), and loss-of-function variants in CCBE1 are known to be pathogenic (PMID: 19935664, 21778431, 26686525).

Literature cited by the submitters: PubMed 16199547; PubMed 19935664; PubMed 21778431; PubMed 26686525.

NM_133459.4(CCBE1):c.265+1G>A

Gene: CCBE1 (collagen and calcium binding EGF domains 1; minus strand). Cytogenetic location: 18q21.32.
Variant type: single nucleotide variant.
Coding change: c.265+1G>A on transcript NM_133459.4 (MANE Select); the canonical splice donor site of the intron after coding-DNA position 265, G replaced by A.
Molecular consequence: splice donor variant.
Genome position (GRCh38, 1-based): chr18:59,480,185, C>T on the plus strand (G>A on the coding strand, the complement: CCBE1 is on the minus strand). VCF-style: chr18-59480185-C-T. GRCh37 (hg19) VCF-style: chr18-57147417-C-T.
Identifiers: ClinVar variation 2760753 (VCV002760753.3), dbSNP rs764388085, ClinGen allele CA8980578.